The following is an entry in ClinVar:

NM_004260.4(RECQL4):c.2053G>C (p.Asp685His)

Gene: RECQL4 (RecQ like helicase 4; minus strand). Cytogenetic location: 8q24.3.
Variant type: single nucleotide variant.
Coding change: c.2053G>C on transcript NM_004260.4 (MANE Select); coding-DNA position 2053, G replaced by C.
Protein change: p.Asp685His; replaces aspartic acid 685 with histidine.
Molecular consequence: missense variant.
Genome position (GRCh38, 1-based): chr8:144,513,933, C>G on the plus strand (G>C on the coding strand, the complement: RECQL4 is on the minus strand). VCF-style: chr8-144513933-C-G. GRCh37 (hg19) VCF-style: chr8-145739317-C-G.
Other names: c.982G>C, p.Asp328His (NM_001413034.1, NM_001413035.1, NM_001413038.1 and 6 more transcripts); c.2053G>C, p.Asp685His (NM_001413036.1, NM_001413018.1, NM_001413019.1); c.850G>C, p.Asp284His (NM_001413037.1); c.2023G>C, p.Asp675His (NM_001413039.1); c.916G>C, p.Asp306His (NM_001413041.1, NM_001413027.1, NM_001413030.1 and 1 more transcripts); c.952G>C, p.Asp318His (NM_001413042.1); c.586G>C, p.Asp196His (NM_001413043.1); c.1957G>C, p.Asp653His (NM_001413017.1, NM_001413020.1); and 5 more; short protein forms D284H, D306H, D318H, D568H, D642H, D653H, D328H, D675H.
Identifiers: ClinVar variation 2149290 (VCV002149290.5), dbSNP rs765039635, ClinGen allele CA372680228.

ClinVar aggregate classification (germline): Uncertain significance. Review status: criteria provided, multiple submitters, no conflicts (2 of 4 stars). 2 submissions from 2 submitters: Uncertain significance (2). Last evaluated 2026-06-22.

Conditions:
Inborn genetic diseases. Identifiers: MedGen C0950123, MeSH D030342.
Baller-Gerold syndrome (BGS). Also called: CRANIOSYNOSTOSIS WITH RADIAL DEFECTS. Identifiers: Orphanet 1225, MedGen C0265308, MONDO:0009039, OMIM 218600.

gnomAD v4.1: 1 of 1,514,146 alleles (0.000066%); highest among the groups gnomAD compares: Non-Finnish European, 0.000089%; no homozygotes.

Submissions (2):

Ambry Genetics
Classification: Uncertain significance for Inborn genetic diseases. Last evaluated: 2026-06-22. Review status: criteria provided, single submitter. Criteria: Ambry Variant Classification Scheme 2023. Collection method: clinical testing. Allele origin: germline.
Comment: The p.D685H variant (also known as c.2053G>C), located in coding exon 12 of the RECQL4 gene, results from a G to C substitution at nucleotide position 2053. The aspartic acid at codon 685 is replaced by histidine, an amino acid with similar properties. This amino acid position is conserved. In addition, this alteration is predicted to be tolerated by in silico analysis. Based on the available evidence, the clinical significance of this variant remains unclear.

Labcorp Genetics (formerly Invitae), Labcorp
Classification: Uncertain significance for Baller-Gerold syndrome. Last evaluated: 2023-06-15. Review status: criteria provided, single submitter. Criteria: Invitae Variant Classification Sherloc (09022015). Collection method: clinical testing. Allele origin: germline.
Comment: In summary, the available evidence is currently insufficient to determine the role of this variant in disease. Therefore, it has been classified as a Variant of Uncertain Significance. Advanced modeling of protein sequence and biophysical properties (such as structural, functional, and spatial information, amino acid conservation, physicochemical variation, residue mobility, and thermodynamic stability) performed at Invitae indicates that this missense variant is not expected to disrupt RECQL4 protein function. ClinVar contains an entry for this variant (Variation ID: 2149290). This variant has not been reported in the literature in individuals affected with RECQL4-related conditions. This variant is not present in population databases (gnomAD no frequency). This sequence change replaces aspartic acid, which is acidic and polar, with histidine, which is basic and polar, at codon 685 of the RECQL4 protein (p.Asp685His).